The following is an entry in ClinVar:

ClinVar aggregate classification (germline): Uncertain significance (1 of 4 stars; one submission).

Allele frequency attached by ClinVar (database versions not stated): TOPMed below 0.00001.

Submission:

Labcorp Genetics (formerly Invitae), Labcorp
Classification: Uncertain significance. Last evaluated: 2021-02-13. Review status: criteria provided, single submitter. Criteria: Invitae Variant Classification Sherloc (09022015). Collection method: clinical testing. Allele origin: germline.
Comment: This sequence change replaces methionine with leucine at codon 570 of the JAK1 protein (p.Met570Leu). The methionine residue is weakly conserved and there is a small physicochemical difference between methionine and leucine. This variant is not present in population databases (ExAC no frequency). This variant has not been reported in the literature in individuals with JAK1-related conditions. Algorithms developed to predict the effect of missense changes on protein structure and function are either unavailable or do not agree on the potential impact of this missense change (SIFT: "Not Available"; PolyPhen-2: "Benign"; Align-GVGD: "Not Available"). In summary, the available evidence is currently insufficient to determine the role of this variant in disease. Therefore, it has been classified as a Variant of Uncertain Significance.

NM_002227.4(JAK1):c.1708A>C (p.Met570Leu)

Gene: JAK1 (Janus kinase 1; minus strand). Cytogenetic location: 1p31.3.
Variant type: single nucleotide variant.
Coding change: c.1708A>C on transcript NM_002227.4 (MANE Select); coding-DNA position 1708, A replaced by C.
Protein change: p.Met570Leu; replaces methionine 570 with leucine.
Molecular consequence: missense variant.
Genome position (GRCh38, 1-based): chr1:64,850,851, T>G on the plus strand (A>C on the coding strand, the complement: JAK1 is on the minus strand). VCF-style: chr1-64850851-T-G. GRCh37 (hg19) VCF-style: chr1-65316534-T-G.
Other names: c.1708A>C, p.Met570Leu (NM_001320923.2, NM_001321852.2, NM_001321853.2 and 3 more transcripts); c.1705A>C, p.Met569Leu (NM_001321857.2); short protein forms M570L, M569L.
Identifiers: ClinVar variation 1479951 (VCV001479951.6), dbSNP rs1655542010, ClinGen allele CA340668692.